The following is an entry in ClinVar:

ClinVar aggregate classification (germline): Uncertain significance. Review status: criteria provided, multiple submitters, no conflicts (2 of 4 stars). 2 submissions from 2 submitters: Uncertain significance (2). Last evaluated 2026-01-05.

Conditions:
Inborn genetic diseases. Identifiers: MedGen C0950123, MeSH D030342.
Curry-Hall syndrome (WAD). Also called: WEYERS ACRODENTAL DYSOSTOSIS. Identifiers: Orphanet 952, MedGen C0457013, MONDO:0008673, OMIM 193530.
Ellis-van Creveld syndrome (EVC). Also called: MESOECTODERMAL DYSPLASIA; EVC-Related Ellis-van Creveld Syndrome; EVC2-Related Ellis-van Creveld Syndrome; Chondroectodermal dysplasia. Identifiers: Orphanet 289, MedGen C0013903, MONDO:0009162, OMIM 225500.

Allele frequency attached by ClinVar (database versions not stated): gnomAD 0.00002; ExAC 0.00011.
gnomAD v4.1: 36 of 1,613,406 alleles (0.0022%); highest among the groups gnomAD compares: Admixed American, 0.025%; no homozygotes.

Submissions (2):

Labcorp Genetics (formerly Invitae), Labcorp
Classification: Uncertain significance for Curry-Hall syndrome; Ellis-van Creveld syndrome. Last evaluated: 2026-01-05. Review status: criteria provided, single submitter. Criteria: Invitae Variant Classification Sherloc (09022015). Collection method: clinical testing. Allele origin: germline.
Comment: This sequence change replaces arginine, which is basic and polar, with tryptophan, which is neutral and slightly polar, at codon 647 of the EVC protein (p.Arg647Trp). This variant is present in population databases (rs770276380, gnomAD 0.03%). This variant has not been reported in the literature in individuals affected with EVC-related conditions. ClinVar contains an entry for this variant (Variation ID: 2200205). Invitae Evidence Modeling of protein sequence and biophysical properties (such as structural, functional, and spatial information, amino acid conservation, physicochemical variation, residue mobility, and thermodynamic stability) has been performed for this missense variant. However, the output from this modeling did not meet the statistical confidence thresholds required to predict the impact of this variant on EVC protein function. In summary, the available evidence is currently insufficient to determine the role of this variant in disease. Therefore, it has been classified as a Variant of Uncertain Significance.

Ambry Genetics
Classification: Uncertain significance for Inborn genetic diseases. Last evaluated: 2025-08-23. Review status: criteria provided, single submitter. Criteria: Ambry Variant Classification Scheme 2023. Collection method: clinical testing. Allele origin: germline.

NM_153717.3(EVC):c.1939C>T (p.Arg647Trp)

Gene: EVC (EvC ciliary complex subunit 1; plus strand). Cytogenetic location: 4p16.2.
Variant type: single nucleotide variant.
Coding change: c.1939C>T on transcript NM_153717.3 (MANE Select); coding-DNA position 1939, C replaced by T.
Protein change: p.Arg647Trp; replaces arginine 647 with tryptophan.
Molecular consequence: missense variant.
Genome position (GRCh38, 1-based): chr4:5,797,074, C>T. VCF-style: chr4-5797074-C-T. GRCh37 (hg19) VCF-style: chr4-5798801-C-T.
Other names: c.1939C>T (NM_153717.2); c.1939C>T, p.Arg647Trp (NM_001306090.2); short protein forms R647W.
Identifiers: ClinVar variation 2200205 (VCV002200205.3), dbSNP rs770276380, ClinGen allele CA2836325.
Genomic context (GRCh38, chr4:5,797,074, plus strand): 5'-CCTCAAAGGTCCACGCGGTGTGTCCTGCAGGGGCATGACCTGCTGTTGCGCTCAGCCCTC[C>T]GGAGGCTGGCACTCCGCGGCAACGCCCTGGCCACCCTGACGCAGATGCGGCTATCGGGGA-3'
Protein context (NP_714928.1, residues 637-657): GHDLLLRSAL[Arg647Trp]RLALRGNALA